The following is an entry in ClinVar:

ClinVar aggregate classification (germline): Pathogenic/Likely pathogenic. Review status: criteria provided, multiple submitters, no conflicts (2 of 4 stars). 12 submissions from 12 submitters: Pathogenic (5); Likely pathogenic (5). 2 of the submissions do not count toward it. Last evaluated 2025-11-27.

Conditions:
Jeune thoracic dystrophy. Also called: Jeune syndrome; Infantile thoracic dystrophy; Thoracic pelvic phalangeal dystrophy; Jeune's syndrome; Chondroectodermal dysplasia-like syndrome; Short-rib thoracic dysplasia. Identifiers: Orphanet 474, MedGen C0265275, MONDO:0018770.
Asphyxiating thoracic dystrophy 3. Also called: POLYDACTYLY WITH NEONATAL CHONDRODYSTROPHY, TYPE I; SHORT-RIB THORACIC DYSPLASIA 3/6 WITH POLYDACTYLY, DIGENIC; Short rib polydactyly syndrome 2B; Saldino-Noonan Syndrome; SHORT-RIB THORACIC DYSPLASIA 3 WITH OR WITHOUT POLYDACTYLY. Identifiers: Orphanet 474, Orphanet 93269, Orphanet 93270, Orphanet 93271, MedGen C0036069, MONDO:0013127, OMIM 613091.
DYNC2H1-related disorder. Also called: DYNC2H1-related condition; DYNC2H1-related disorders. Identifiers: MedGen CN378770.

Allele frequency attached by ClinVar (database versions not stated): TOPMed 0.00001; gnomAD exomes 0.00002 and 0.00003; ExAC 0.00004.
gnomAD v4.1: 22 of 1,605,108 alleles (0.0014%); highest among the groups gnomAD compares: East Asian, 0.0067%; no homozygotes.

Submissions (12):

PreventionGenetics, part of Exact Sciences
Classification: Likely pathogenic for DYNC2H1-related condition. Last evaluated: 2025-11-27. Review status: criteria provided, single submitter. Criteria: ACMG Guidelines, 2015. Collection method: clinical testing. Allele origin: germline.
Comment: The DYNC2H1 c.4267C>T variant is predicted to result in the amino acid substitution p.Arg1423Cys. This variant has been reported in the compound heterozygous state in individuals with short rib polydactyly syndrome, type I and II (El Hokayem et al. 2012. PubMed ID: 22499340; Badiner et al. 2017. PubMed ID: 27925158). This variant is reported in 0.017% of alleles in individuals of East Asian descent in gnomAD and has been classified as pathogenic/likely pathogenic by multiple independent submitters in ClinVar (Variation ID: 446611). Taken together, we interpret c.4267C>T (p.Arg1423Cys) as likely pathogenic.

Labcorp Genetics (formerly Invitae), Labcorp
Classification: Pathogenic for Jeune thoracic dystrophy. Last evaluated: 2025-10-05. Review status: criteria provided, single submitter. Criteria: Invitae Variant Classification Sherloc (09022015). Collection method: clinical testing. Allele origin: germline.
Comment: This sequence change replaces arginine, which is basic and polar, with cysteine, which is neutral and slightly polar, at codon 1423 of the DYNC2H1 protein (p.Arg1423Cys). This variant is present in population databases (rs745870321, gnomAD 0.02%). This missense change has been observed in individuals with clinical features of short-rib polydactyly syndrome (PMID: 22499340, 27925158, 29068549). ClinVar contains an entry for this variant (Variation ID: 446611). Invitae Evidence Modeling of protein sequence and biophysical properties (such as structural, functional, and spatial information, amino acid conservation, physicochemical variation, residue mobility, and thermodynamic stability) indicates that this missense variant is expected to disrupt DYNC2H1 protein function with a positive predictive value of 95%. For these reasons, this variant has been classified as Pathogenic.

GeneDx
Classification: Pathogenic. Last evaluated: 2025-08-28. Review status: criteria provided, single submitter. Criteria: GeneDx Variant Classification Process June 2021. Collection method: clinical testing. Allele origin: germline. Affected: yes.
Comment: In silico analysis supports that this missense variant has a deleterious effect on protein structure/function; This variant is associated with the following publications: (PMID: 27925158, 36923788, 37236975, 29458881, 34675960, 29068549, 35627109, 22499340)

First Genomix Gene Laboratory, Genetic Diagnostics Department
Classification: Pathogenic for Asphyxiating thoracic dystrophy 3. Last evaluated: 2025-08-01. Review status: criteria provided, single submitter. Criteria: ACMG Guidelines, 2015. Collection method: clinical testing. Allele origin: germline. Inheritance: Autosomal recessive inheritance. Affected: no. Observed: 1 variant allele.

Dasa
Classification: Likely pathogenic. Last evaluated: 2024-10-04. Review status: criteria provided, single submitter. Criteria: DASA Assertion Criteria. Collection method: clinical testing. Allele origin: germline.
Comment: NM_001377.3(DYNC2H1):c.4267C>T (p.Arg1423Cys) is a missense variant that results in the substitution of arginine with cysteine. This variant has been observed in affected individuals with DYNC2H1-related disorders. Also, this variant is rare in population databases. Computational evidence supports a deleterious effect. Based on the currently available evidence, this variant is classified as likely pathogenic.

Fulgent Genetics
Classification: Likely pathogenic for Asphyxiating thoracic dystrophy 3. Last evaluated: 2024-02-28. Review status: criteria provided, single submitter. Criteria: ACMG Guidelines, 2015. Collection method: clinical testing. Allele origin: germline.

Genomic Medicine Lab, University of California San Francisco
Classification: Likely pathogenic for Asphyxiating thoracic dystrophy 3. Last evaluated: 2021-01-14. Review status: criteria provided, single submitter. Criteria: ACMG Guidelines, 2015. Collection method: clinical testing. Allele origin: maternal. Inheritance: Autosomal recessive inheritance. Affected: yes. Study: CSER-P3EGS.

Dubai Health Genomic Medicine Center, Dubai Health
Classification: Likely pathogenic for Asphyxiating thoracic dystrophy 3. Last evaluated: 2020-02-26. Review status: criteria provided, single submitter. Criteria: ACMG Guidelines, 2015. Collection method: clinical testing. Allele origin: germline. Affected: yes.

Juno Genomics, Hangzhou Juno Genomics, Inc
Classification: Pathogenic for Asphyxiating thoracic dystrophy 3. Review status: criteria provided, single submitter. Criteria: ACMG Guidelines, 2015. Collection method: clinical testing. Allele origin: germline. Affected: yes.
Comment: Absent from controls (or at extremely low frequency if recessive) in Genome Aggregation Database.;Multiple lines of computational evidence support a deleterious effect on the gene or gene product.;For recessive disorders, detected in trans with a pathogenic variant.;Patient's phenotype or family history is highly specific for a disease with a single genetic etiology.

Kariminejad - Najmabadi Pathology & Genetics Center
Classification: Pathogenic for Asphyxiating thoracic dystrophy 3. Review status: criteria provided, single submitter. Criteria: ACMG Guidelines, 2015. Collection method: clinical testing. Allele origin: germline. Affected: no.

Dan Cohn Lab, University Of California Los Angeles
Classification: Pathogenic for Asphyxiating thoracic dystrophy 3. Last evaluated: 2017-06-01. Review status: no assertion criteria provided. Collection method: research. Allele origin: unknown, paternal. Affected: yes. Not counted in ClinVar's aggregate classification.

University of Washington Center for Mendelian Genomics, University of Washington
Classification: Likely pathogenic for Short rib polydactyly syndrome Saldino Noonan type. Last evaluated: 2016-12-07. Review status: no assertion criteria provided. Collection method: research. Allele origin: inherited. Affected: yes. Observed: 1 compound heterozygote. Not counted in ClinVar's aggregate classification.

Literature cited by the submitters: PubMed 22499340 (cited by Labcorp Genetics (formerly Invitae), Labcorp); PubMed 27925158 (cited by Labcorp Genetics (formerly Invitae), Labcorp and University of Washington Center for Mendelian Genomics, University of Washington); PubMed 29068549 (cited by Labcorp Genetics (formerly Invitae), Labcorp and Dan Cohn Lab, University Of California Los Angeles).

NM_001377.3(DYNC2H1):c.4267C>T (p.Arg1423Cys)

Gene: DYNC2H1 (dynein cytoplasmic 2 heavy chain 1; plus strand). Cytogenetic location: 11q22.3.
Variant type: single nucleotide variant.
Coding change: c.4267C>T on transcript NM_001377.3 (MANE Select); coding-DNA position 4267, C replaced by T.
Protein change: p.Arg1423Cys; replaces arginine 1423 with cysteine.
Molecular consequence: missense variant.
Genome position (GRCh38, 1-based): chr11:103,158,916, C>T. VCF-style: chr11-103158916-C-T. GRCh37 (hg19) VCF-style: chr11-103029645-C-T.
Other names: c.4267C>T, p.Arg1423Cys (NM_001080463.2); short protein forms R1423C.
Identifiers: ClinVar variation 446611 (VCV000446611.29), dbSNP rs745870321, ClinGen allele CA6253522.
Genomic context (GRCh38, chr11:103,158,916, plus strand): 5'-ATATCTTAATTATCTGAAAAAAAGAAAGCTATTTTTTGTTTCTATTTTTATTAGGAAAAA[C>T]GCTCAGCATTCCCAAGATTTTATTTTATTGGTGATGATGACTTATTAGAAATATTGGGCC-3'
Protein context (NP_001368.2, residues 1413-1433): KSLNEFLEEK[Arg1423Cys]SAFPRFYFIG